The following is an entry in ClinVar:

NM_001310124.2(MEIOSIN):c.1359CAGCTC[8] (p.Ser465_Glu466insSerSerSerSer)

Gene: MEIOSIN (meiosis initiator; plus strand). Cytogenetic location: 19q13.32.
Variant type: Microsatellite.
Coding change: c.1359CAGCTC[8] on transcript NM_001310124.2 (MANE Select); eight copies in a row of the 6-base unit CAGCTC starting at c.1359; the reference has six copies in a row; two copies, 12 bases duplicated.
Protein change: p.Ser465_Glu466insSerSerSerSer.
Molecular consequence: inframe insertion.
Genome position (GRCh38, 1-based): chr19:45,761,816-45,761,827, CAGCTCCAGCTC duplicated; duplicating any 12 consecutive bases within chr19:45,761,790-45,761,827 gives the same sequence; the position shown is the placement nearest the transcript's 3' end. VCF-style (leftmost placement, unchanged base first): chr19-45761789-A-ATCCAGCTCCAGC. GRCh37 (hg19) VCF-style: chr19-46265047-A-ATCCAGCTCCAGC.
Identifiers: ClinVar variation 2650124 (VCV002650124.24), dbSNP rs59054027, ClinGen allele CA9520350.

ClinVar aggregate classification (germline): Likely benign (1 of 4 stars; one submission).

Submission:

CeGaT Center for Human Genetics Tuebingen
Classification: Likely benign. Last evaluated: 2023-01-01. Review status: criteria provided, single submitter. Criteria: CeGaT Center For Human Genetics Tuebingen Variant Classification Criteria Version 2. Collection method: clinical testing. Allele origin: germline. Affected: yes. Observed: 1 variant allele.
Comment: MEIOSIN: BS2